The following is an entry in ClinVar:

NM_001005242.3(PKP2):c.-10C>T

Gene: PKP2 (plakophilin 2; minus strand). Cytogenetic location: 12p11.21.
Variant type: single nucleotide variant.
Coding change: c.-10C>T on transcript NM_001005242.3 (MANE Select); 10 bases upstream of the start codon, C replaced by T.
Molecular consequence: 5 prime UTR variant.
Genome position (GRCh38, 1-based): chr12:32,896,741, G>A on the plus strand (C>T on the coding strand, the complement: PKP2 is on the minus strand). VCF-style: chr12-32896741-G-A. GRCh37 (hg19) VCF-style: chr12-33049675-G-A.
Other names: c.-10C>T (NM_004572.4).
Identifiers: ClinVar variation 926208 (VCV000926208.4), dbSNP rs1450807689, ClinGen allele CA604480714.

ClinVar aggregate classification (germline): Conflicting classifications of pathogenicity. Review status: criteria provided, conflicting classifications (1 of 4 stars). 3 submissions from 3 submitters: Uncertain significance (1); Likely benign (2). Last evaluated 2024-07-15.

Conditions:
Cardiomyopathy (CMYO). Also called: Cardiomyopathies. Identifiers: Orphanet 167848, MedGen C0878544, MONDO:0004994, HP:0001638. Inheritance: Various modes of inheritance.
Arrhythmogenic right ventricular cardiomyopathy (ARVD). Also called: Arrhythmogenic cardiomyopathy; Cardiomyopathy, ARVC; Arrhythmogenic right ventricular dysplasia; Arrhythmogenic Right Ventricular Cardiomyopathy (ARVC). Identifiers: Orphanet 247, MedGen C0349788, MeSH D019571, MONDO:0016587. Disease mechanism: loss of function. Inheritance: Various modes of inheritance.

Allele frequency attached by ClinVar (database versions not stated): gnomAD exomes below 0.00001; gnomAD 0.00001; TOPMed 0.00002.

Submissions (3):

Women's Health and Genetics/Laboratory Corporation of America, LabCorp
Classification: Uncertain significance. Last evaluated: 2024-07-15. Review status: criteria provided, single submitter. Criteria: LabCorp Variant Classification Summary - May 2015. Collection method: clinical testing. Allele origin: germline.

All of Us Research Program, National Institutes of Health
Classification: Likely benign for Arrhythmogenic right ventricular cardiomyopathy. Last evaluated: 2023-12-01. Review status: criteria provided, single submitter. Criteria: ACMG Guidelines, 2015. Collection method: clinical testing. Allele origin: germline. Inheritance: Autosomal dominant inheritance. Observed: 5 variant alleles, 5 heterozygotes.
Comment: This study involves interpretation of variants in research participants for the purpose of population health screening. Participant phenotype was not available at the time of variant classification. Additional details can be found in publication PMID: 35346344, PMCID: PMC8962531

Color Diagnostics, LLC DBA Color Health
Classification: Likely benign for Cardiomyopathy. Last evaluated: 2018-11-26. Review status: criteria provided, single submitter. Criteria: ACMG Guidelines, 2015. Collection method: clinical testing. Allele origin: germline.